The following is an entry in ClinVar:

NM_002454.3(MTRR):c.645_648del (p.Gln216fs)

Gene: MTRR (5-methyltetrahydrofolate-homocysteine methyltransferase reductase; plus strand). Cytogenetic location: 5p15.31.
Variant type: Deletion.
Coding change: c.645_648del on transcript NM_002454.3 (MANE Select); coding-DNA positions 645 to 648, 4 bases deleted (CCAA; older notation c.645_648delCCAA).
Protein change: p.Gln216fs; shifts the reading frame from glutamine 216.
Molecular consequence: frameshift variant. On other transcripts: non-coding transcript variant (14).
Genome position (GRCh38, 1-based): chr5:7,878,187-7,878,190, CCAA deleted; deleting any 4 consecutive bases within chr5:7,878,184-7,878,190 gives the same sequence; the c. name uses the placement nearest the transcript's 3' end. VCF-style (leftmost placement, unchanged base first): chr5-7878183-GCAAC-G. GRCh37 (hg19) VCF-style: chr5-7878296-GCAAC-G.
Other names: c.645_648del, p.Gln216fs (NM_001364440.2, NM_001364441.2, NM_001364442.2 and 1 more transcripts); short protein forms Q216fs.
Identifiers: ClinVar variation 1986861 (VCV001986861.4), dbSNP rs2478802312, ClinGen allele CA2580073149.
Genomic context (GRCh38, chr5:7,878,183, plus strand): 5'-TGAGATTCGATGATTCAGGAAGAAAGGATTCTGAGGTTTTGAAGCAAAATGCAGTGAACA[GCAAC>G]CAATCCAATGTTGTAATTGAAGACTTTGAGTCCTCACTTACCCGTTCGGTACCCCCACTC-3'

ClinVar aggregate classification (germline): Pathogenic (1 of 4 stars; one submission).

Conditions:
Methylcobalamin deficiency type cblE (HMAE). Also called: VITAMIN B12-RESPONSIVE HOMOCYSTINURIA, cblE TYPE; HOMOCYSTINURIA-MEGALOBLASTIC ANEMIA, cblE TYPE; HOMOCYSTINURIA-MEGALOBLASTIC ANEMIA, cblE COMPLEMENTATION TYPE. Identifiers: Orphanet 2169, Orphanet 622, MedGen C1856057, MONDO:0009354, OMIM 236270.

Submission:

Labcorp Genetics (formerly Invitae), Labcorp
Classification: Pathogenic for Methylcobalamin deficiency type cblE. Last evaluated: 2023-09-18. Review status: criteria provided, single submitter. Criteria: Invitae Variant Classification Sherloc (09022015). Collection method: clinical testing. Allele origin: germline.
Comment: This variant is not present in population databases (gnomAD no frequency). This sequence change creates a premature translational stop signal (p.Gln216Profs*4) in the MTRR gene. It is expected to result in an absent or disrupted protein product. Loss-of-function variants in MTRR are known to be pathogenic (PMID: 15714522). ClinVar contains an entry for this variant (Variation ID: 1986861). For these reasons, this variant has been classified as Pathogenic. This variant has not been reported in the literature in individuals affected with MTRR-related conditions.

Literature cited by the submitters: PubMed 15714522.